The following is an entry in ClinVar:

ClinVar aggregate classification (germline): Uncertain significance (1 of 4 stars; one submission).

Allele frequency attached by ClinVar (database versions not stated): gnomAD exomes below 0.00001; TOPMed below 0.00001.
gnomAD v4.1: 4 of 1,614,008 alleles (0.00025%); highest among the groups gnomAD compares: South Asian, 0.0011%; no homozygotes.

Submission:

Labcorp Genetics (formerly Invitae), Labcorp
Classification: Uncertain significance. Last evaluated: 2020-08-04. Review status: criteria provided, single submitter. Criteria: Invitae Variant Classification Sherloc (09022015). Collection method: clinical testing. Allele origin: germline.
Comment: This variant has not been reported in the literature in individuals with ADGRA3-related conditions. In summary, the available evidence is currently insufficient to determine the role of this variant in disease. Therefore, it has been classified as a Variant of Uncertain Significance. Algorithms developed to predict the effect of missense changes on protein structure and function are either unavailable or do not agree on the potential impact of this missense change (SIFT: "Deleterious"; PolyPhen-2: "Benign"; Align-GVGD: "Class C0"). This variant is present in population databases (rs778214023, ExAC 0.001%). This sequence change replaces serine with leucine at codon 1067 of the ADGRA3 protein (p.Ser1067Leu). The serine residue is weakly conserved and there is a large physicochemical difference between serine and leucine.

NM_145290.4(ADGRA3):c.3200C>T (p.Ser1067Leu)

Gene: ADGRA3 (adhesion G protein-coupled receptor A3; minus strand). Cytogenetic location: 4p15.2.
Variant type: single nucleotide variant.
Coding change: c.3200C>T on transcript NM_145290.4 (MANE Select); coding-DNA position 3200, C replaced by T.
Protein change: p.Ser1067Leu; replaces serine 1067 with leucine.
Molecular consequence: missense variant.
Genome position (GRCh38, 1-based): chr4:22,388,471, G>A on the plus strand (C>T on the coding strand, the complement: ADGRA3 is on the minus strand). VCF-style: chr4-22388471-G-A. GRCh37 (hg19) VCF-style: chr4-22390094-G-A.
Other names: short protein forms S1067L.
Identifiers: ClinVar variation 1005811 (VCV001005811.8), dbSNP rs778214023, ClinGen allele CA2873422.